The following is an entry in ClinVar:

ClinVar aggregate classification (germline): Likely benign. Review status: criteria provided, multiple submitters, no conflicts (2 of 4 stars). 3 submissions from 3 submitters: Likely benign (2). 1 of the submissions does not count toward it. Last evaluated 2025-09-20.

Conditions:
COL5A2-related disorder. Also called: COL5A2-related condition.
Ehlers-Danlos syndrome, classic type, 1 (EDSCL1). Also called: EDS I; EHLERS-DANLOS SYNDROME, GRAVIS TYPE; Ehlers-Danlos syndrome, type 1; Ehlers-Danlos Syndrome, Classic Type, COL5A1-Related; EHLERS-DANLOS SYNDROME, SEVERE CLASSIC TYPE. Identifiers: MedGen C0268335, MONDO:0019567, OMIM 130000.

Allele frequency attached by ClinVar (database versions not stated): gnomAD exomes below 0.00001; TOPMed below 0.00001; ExAC 0.00001; gnomAD 0.00001.
gnomAD v4.1: 6 of 1,604,768 alleles (0.00037%); highest among the groups gnomAD compares: African/African-American, 0.0027%; no homozygotes.

Submissions (3):

Labcorp Genetics (formerly Invitae), Labcorp
Classification: Likely benign for Ehlers-Danlos syndrome, classic type, 1. Last evaluated: 2025-09-20. Review status: criteria provided, single submitter. Criteria: Invitae Variant Classification Sherloc (09022015). Collection method: clinical testing. Allele origin: germline.

Blueprint Genetics
Classification: Likely benign. Last evaluated: 2024-11-25. Review status: criteria provided, single submitter. Criteria: ACMG Guidelines, 2015. Collection method: clinical testing. Allele origin: germline.

PreventionGenetics, part of Exact Sciences
Classification: Likely benign for COL5A2-related condition. Last evaluated: 2023-10-08. Review status: no assertion criteria provided. Collection method: clinical testing. Allele origin: germline. Not counted in ClinVar's aggregate classification.
Comment: This variant is classified as likely benign based on ACMG/AMP sequence variant interpretation guidelines (Richards et al. 2015 PMID: 25741868, with internal and published modifications).

NM_000393.5(COL5A2):c.1059+9A>G

Gene: COL5A2 (collagen type V alpha 2 chain; minus strand). Cytogenetic location: 2q32.2.
Variant type: single nucleotide variant.
Coding change: c.1059+9A>G on transcript NM_000393.5 (MANE Select); 9 bases into the intron after coding-DNA position 1059, A replaced by G.
Molecular consequence: intron variant.
Genome position (GRCh38, 1-based): chr2:189,078,507, T>C on the plus strand (A>G on the coding strand, the complement: COL5A2 is on the minus strand). VCF-style: chr2-189078507-T-C. GRCh37 (hg19) VCF-style: chr2-189943233-T-C.
Other names: c.1059+9A>G (NM_000393.4).
Identifiers: ClinVar variation 529292 (VCV000529292.14), dbSNP rs776100559, ClinGen allele CA2022844.
Genomic context (GRCh38, chr2:189,078,507, plus strand): 5'-AGTAAACCAAATCTGAAAATGAATTGAAATACACATCTCAGCAGTATAAGTAAAAGCAGA[T>C]ATACTTACAGGAGCACCCTGTGGCCCAAGTCTCCCTCTCTCTCCTGGCATTCCCCTCGGA-3'